The following is an entry in ClinVar:

NM_001329943.3(KIAA0586):c.3883C>G (p.Gln1295Glu)

Gene: KIAA0586 (KIAA0586; plus strand). Cytogenetic location: 14q23.1.
Variant type: single nucleotide variant.
Coding change: c.3883C>G on transcript NM_001329943.3 (MANE Select); coding-DNA position 3883, C replaced by G.
Protein change: p.Gln1295Glu; replaces glutamine 1295 with glutamic acid.
Molecular consequence: missense variant. On other transcripts: intron variant (1).
Genome position (GRCh38, 1-based): chr14:58,492,168, C>G. VCF-style: chr14-58492168-C-G. GRCh37 (hg19) VCF-style: chr14-58958886-C-G.
Other names: c.4042C>G, p.Gln1348Glu (NM_001244189.2); c.3838C>G, p.Gln1280Glu (NM_001244190.2); c.3628C>G, p.Gln1210Glu (NM_001244191.2, NM_001329945.2, NM_001364700.1 and 1 more transcripts); c.3751C>G, p.Gln1251Glu (NM_001244192.2); c.3463C>G, p.Gln1155Glu (NM_001244193.2); c.3883C>G, p.Gln1295Glu (NM_001329944.2, NM_001329946.2); c.3655C>G, p.Gln1219Glu (NM_014749.5); c.3858+1928C>G (NM_001329947.2); short protein forms Q1210E, Q1348E, Q1155E, Q1219E, Q1251E, Q1280E, Q1295E.
Identifiers: ClinVar variation 1512147 (VCV001512147.5), dbSNP rs2141237535, ClinGen allele CA389884312.

ClinVar aggregate classification (germline): Uncertain significance (1 of 4 stars; one submission).

Conditions:
Short-rib thoracic dysplasia 14 with polydactyly (SRTD14). Identifiers: Orphanet 397715, MedGen C4225286, MONDO:0014688, OMIM 616546.
Joubert syndrome 23 (JBTS23). Identifiers: Orphanet 475, MedGen C4084822, MONDO:0014664, OMIM 616490.

Allele frequency attached by ClinVar (database versions not stated): gnomAD exomes below 0.00001.

Submission:

Labcorp Genetics (formerly Invitae), Labcorp
Classification: Uncertain significance for Joubert syndrome 23; Short-rib thoracic dysplasia 14 with polydactyly. Last evaluated: 2024-06-03. Review status: criteria provided, single submitter. Criteria: Invitae Variant Classification Sherloc (09022015). Collection method: clinical testing. Allele origin: germline.
Comment: This sequence change replaces glutamine, which is neutral and polar, with glutamic acid, which is acidic and polar, at codon 1348 of the KIAA0586 protein (p.Gln1348Glu). This variant is not present in population databases (gnomAD no frequency). This variant has not been reported in the literature in individuals affected with KIAA0586-related conditions. ClinVar contains an entry for this variant (Variation ID: 1512147). Advanced modeling of protein sequence and biophysical properties (such as structural, functional, and spatial information, amino acid conservation, physicochemical variation, residue mobility, and thermodynamic stability) has been performed at Invitae for this missense variant, however the output from this modeling did not meet the statistical confidence thresholds required to predict the impact of this variant on KIAA0586 protein function. In summary, the available evidence is currently insufficient to determine the role of this variant in disease. Therefore, it has been classified as a Variant of Uncertain Significance.